The following is an entry in ClinVar:

ClinVar aggregate classification (germline): Uncertain significance (1 of 4 stars; one submission).

Submission:

Labcorp Genetics (formerly Invitae), Labcorp
Classification: Uncertain significance. Last evaluated: 2022-03-01. Review status: criteria provided, single submitter. Criteria: Invitae Variant Classification Sherloc (09022015). Collection method: clinical testing. Allele origin: germline.
Comment: In summary, the available evidence is currently insufficient to determine the role of this variant in disease. Therefore, it has been classified as a Variant of Uncertain Significance. Algorithms developed to predict the effect of missense changes on protein structure and function are either unavailable or do not agree on the potential impact of this missense change (SIFT: "Deleterious"; PolyPhen-2: "Benign"; Align-GVGD: "Class C0"). This variant has not been reported in the literature in individuals affected with ALPK1-related conditions. This variant is not present in population databases (gnomAD no frequency). This sequence change replaces glutamic acid, which is acidic and polar, with alanine, which is neutral and non-polar, at codon 742 of the ALPK1 protein (p.Glu742Ala).

NM_025144.4(ALPK1):c.2225A>C (p.Glu742Ala)

Gene: ALPK1 (alpha kinase 1; plus strand). Cytogenetic location: 4q25.
Variant type: single nucleotide variant.
Coding change: c.2225A>C on transcript NM_025144.4 (MANE Select); coding-DNA position 2225, A replaced by C.
Protein change: p.Glu742Ala; replaces glutamic acid 742 with alanine.
Molecular consequence: missense variant.
Genome position (GRCh38, 1-based): chr4:112,431,772, A>C. VCF-style: chr4-112431772-A-C. GRCh37 (hg19) VCF-style: chr4-113352928-A-C.
Other names: c.2225A>C, p.Glu742Ala (NM_001102406.2); c.1991A>C, p.Glu664Ala (NM_001253884.2); short protein forms E742A, E664A.
Identifiers: ClinVar variation 2105529 (VCV002105529.4), dbSNP rs2476505762, ClinGen allele CA357898908.
Genomic context (GRCh38, chr4:112,431,772, plus strand): 5'-GGTCTTCTGATTCTGGTAGGCCCAAGAATATGGGCACACATCCTTCAGTCCAAAAAGAAG[A>C]AGCCTTTGAAATAATTGTTGAGTTTCCAGAAACCAACTGCGATGTCAAAGACAGGCAGGG-3'
Protein context (NP_079420.3, residues 732-752): MGTHPSVQKE[Glu742Ala]AFEIIVEFPE